The following is an entry in ClinVar:

ClinVar aggregate classification (germline): Uncertain significance (1 of 4 stars; one submission).

Submission:

Labcorp Genetics (formerly Invitae), Labcorp
Classification: Uncertain significance. Last evaluated: 2025-08-18. Review status: criteria provided, single submitter. Criteria: Invitae Variant Classification Sherloc (09022015). Collection method: clinical testing. Allele origin: germline.
Comment: This sequence change replaces arginine, which is basic and polar, with serine, which is neutral and polar, at codon 1138 of the COL4A6 protein (p.Arg1138Ser). This variant is not present in population databases (gnomAD no frequency). This variant has not been reported in the literature in individuals affected with COL4A6-related conditions. Invitae Evidence Modeling of protein sequence and biophysical properties (such as structural, functional, and spatial information, amino acid conservation, physicochemical variation, residue mobility, and thermodynamic stability) indicates that this missense variant is not expected to disrupt COL4A6 protein function with a negative predictive value of 80%. In summary, the available evidence is currently insufficient to determine the role of this variant in disease. Therefore, it has been classified as a Variant of Uncertain Significance.

NM_033641.4(COL4A6):c.3411A>C (p.Arg1137Ser)

Gene: COL4A6 (collagen type IV alpha 6 chain; minus strand). Cytogenetic location: Xq22.3.
Variant type: single nucleotide variant.
Coding change: c.3411A>C on transcript NM_033641.4 (MANE Select); coding-DNA position 3411, A replaced by C.
Protein change: p.Arg1137Ser; replaces arginine 1137 with serine.
Molecular consequence: missense variant.
Genome position (GRCh38, 1-based): chrX:108,170,691, T>G on the plus strand (A>C on the coding strand, the complement: COL4A6 is on the minus strand). VCF-style: chrX-108170691-T-G. GRCh37 (hg19) VCF-style: chrX-107413921-T-G.
Other names: c.3462A>C, p.Arg1154Ser (NM_001287758.2); c.3411A>C, p.Arg1137Ser (NM_001287759.2, NM_001287760.2, NM_001440760.1); c.3414A>C, p.Arg1138Ser (NM_001440759.1, NM_001847.4); short protein forms R1137S, R1138S, R1154S.
Identifiers: ClinVar variation 4802941 (VCV004802941.1).